The following is an entry in ClinVar:

NM_000051.4(ATM):c.1329A>T (p.Leu443=)

Gene: ATM (ATM serine/threonine kinase; plus strand). Cytogenetic location: 11q22.3.
Variant type: single nucleotide variant.
Coding change: c.1329A>T on transcript NM_000051.4 (MANE Select); coding-DNA position 1329, A replaced by T.
Protein change: p.Leu443=; no amino-acid change (leucine 443 retained).
Molecular consequence: synonymous variant.
Genome position (GRCh38, 1-based): chr11:108,250,794, A>T. VCF-style: chr11-108250794-A-T. GRCh37 (hg19) VCF-style: chr11-108121521-A-T.
Other names: c.1329A>T, p.Leu443= (NM_001351834.2).
Identifiers: ClinVar variation 490421 (VCV000490421.5), dbSNP rs201460863, ClinGen allele CA476671924.

ClinVar aggregate classification (germline): Benign/Likely benign. Review status: criteria provided, multiple submitters, no conflicts (2 of 4 stars). 3 submissions from 3 submitters: Benign (1); Likely benign (2). Last evaluated 2024-11-20.

Conditions:
Hereditary cancer-predisposing syndrome. Also called: Tumor predisposition; Hereditary Cancer Syndrome; Neoplastic Syndromes, Hereditary; Hereditary neoplastic syndrome. Identifiers: Orphanet 140162, MedGen C0027672, MeSH D009386, MONDO:0015356.
Familial cancer of breast. Also called: hereditary breast carcinoma; Hereditary breast cancer; BREAST CANCER, FAMILIAL. Identifiers: Orphanet 227535, MedGen C0346153, MONDO:0016419, OMIM 114480. Disease mechanism: loss of function.

Submissions (3):

Blueprint Genetics
Classification: Likely benign. Last evaluated: 2024-11-20. Review status: criteria provided, single submitter. Criteria: ACMG Guidelines, 2015. Collection method: clinical testing. Allele origin: germline.

Myriad Genetics, Inc.
Classification: Benign for Familial cancer of breast. Last evaluated: 2024-04-26. Review status: criteria provided, single submitter. Criteria: Myriad Autosomal Dominant, Autosomal Recessive and X-Linked Classification Criteria (2023). Collection method: clinical testing. Allele origin: unknown.
Comment: This variant is considered benign. This variant is a silent/synonymous amino acid change and it is not expected to impact splicing.

Color Diagnostics, LLC DBA Color Health
Classification: Likely benign for Hereditary cancer-predisposing syndrome. Last evaluated: 2016-12-02. Review status: criteria provided, single submitter. Criteria: ACMG Guidelines, 2015. Collection method: clinical testing. Allele origin: germline.